The following is an entry in ClinVar:

ClinVar aggregate classification (germline): Likely benign (1 of 4 stars; one submission).

Submission:

Women's Health and Genetics/Laboratory Corporation of America, LabCorp
Classification: Likely benign. Last evaluated: 2025-10-02. Review status: criteria provided, single submitter. Criteria: LabCorp Variant Classification Summary - May 2015. Collection method: clinical testing. Allele origin: germline.
Comment: Variant summary: PSMA3 c.229-15G>A alters a non-conserved nucleotide located at a position not widely known to affect splicing. Consensus agreement among computation tools predict no significant impact on normal splicing. However, these predictions have yet to be confirmed by functional studies. The variant was absent in 250874 control chromosomes. The available data on variant occurrences in the general population are insufficient to allow any conclusion about variant significance. To our knowledge, no occurrence of c.229-15G>A in individuals affected with PSMA3-related conditions and no experimental evidence demonstrating its impact on protein function have been reported. No submitters have cited clinical-significance assessments for this variant to ClinVar. Based on the evidence outlined above, the variant was classified as likely benign.

NM_002788.4(PSMA3):c.229-15G>A

Gene: PSMA3 (proteasome 20S subunit alpha 3; plus strand). Cytogenetic location: 14q23.1.
Variant type: single nucleotide variant.
Coding change: c.229-15G>A on transcript NM_002788.4 (MANE Select); 15 bases into the intron before coding-DNA position 229, G replaced by A.
Molecular consequence: intron variant.
Genome position (GRCh38, 1-based): chr14:58,257,730, G>A. VCF-style: chr14-58257730-G-A. GRCh37 (hg19) VCF-style: chr14-58724448-G-A.
Other names: c.229-15G>A (NM_152132.3).
Identifiers: ClinVar variation 4687612 (VCV004687612.1).